The following is an entry in ClinVar:

ClinVar aggregate classification (germline): Uncertain significance. Review status: reviewed by expert panel (3 of 4 stars). 5 submissions from 5 submitters: Uncertain significance (1). 4 of the submissions do not count toward it. Last evaluated 2025-02-11.

Conditions:
Bernard Soulier syndrome (BSS). Also called: PLATELET GLYCOPROTEIN Ib DEFICIENCY; VON WILLEBRAND FACTOR RECEPTOR DEFICIENCY; BLEEDING DISORDER, PLATELET-TYPE, 1; GLYCOPROTEIN Ib, PLATELET, DEFICIENCY OF; Giant platelet syndrome; Hemorrhagiparous thrombocytic dystrophy. Identifiers: Orphanet 274, MedGen C0005129, MeSH D001606, MONDO:0009276, OMIM 231200.
Bernard-Soulier syndrome, type A2, autosomal dominant (BSSA2). Also called: Bernard-Soulier syndrome, type A2 (dominant). Identifiers: Orphanet 274, MedGen C3277076, MONDO:0007930, OMIM 153670.
Pseudo von Willebrand disease (VWDP). Also called: BLEEDING DISORDER, PLATELET-TYPE, 3; Platelet-type von Willebrand disease. Identifiers: Orphanet 52530, MedGen C1280798, MONDO:0008332, OMIM 177820.
Nonarteritic anterior ischemic optic neuropathy, susceptibility to (NAION). Also called: OPTIC NEUROPATHY, ANTERIOR ISCHEMIC, SUSCEPTIBILITY TO; NAION, SUSCEPTIBILITY TO. Identifiers: MedGen C1847711, MONDO:0009789, OMIM 258660.

Allele frequency attached by ClinVar (database versions not stated): gnomAD 0.00001; gnomAD exomes 0.00001 and 0.00004; TOPMed 0.00001; ESP Exome Variant Server 0.00008.

Submissions (5):

ClinGen Platelet Disorders Variant Curation Expert Panel, ClinGen
Classification: Uncertain significance for Bernard Soulier syndrome. Last evaluated: 2025-02-11. Review status: reviewed by expert panel. Criteria: ClinGen Platelet ACMG Specifications GP1BA V1.0.0. Collection method: curation. Allele origin: germline. Inheritance: Autosomal recessive inheritance.
Comment: The NM_000173.7(GP1BA):c.586C>T (p.Gln196Ter) nonsense variant in exon 2, of 2, is not predicted to trigger NMD, instead truncating 70% of the protein, including the critical transmembrane domain (PVS1_strong). The Grpmax filtering allele frequency in gnomADv4.1 is 0.00003775 (based on 57/1179906 alleles) in the European (non-Finnish) population which is below the <0.0001114 threshold for PM2_supporting. Two patients have been reported with this variant however information was insufficient to confirm that the phenotype was specific to BSS (PMID: 24934643 and internal data). Both patients are compound heterozygotes with second variants (c.1601_1602delinsTGG and c.1436del respectively) classified VUS by the PD VCEP (PM3_NotMet). In summary, this variant meets the criteria to be classified as variant of uncertain significance for autosomal recessive Bernard-Soulier syndrome based on the ACMG/AMP criteria applied, as specified by the ClinGen PD VCEP: PVS1_Strong and PM2_supporting.

Women's Health and Genetics/Laboratory Corporation of America, LabCorp
Classification: Pathogenic for Bernard Soulier syndrome. Last evaluated: 2024-09-06. Review status: criteria provided, single submitter. Criteria: LabCorp Variant Classification Summary - May 2015. Collection method: clinical testing. Allele origin: germline. Not counted in ClinVar's aggregate classification.
Comment: Variant summary: GP1BA c.586C>T (p.Gln196X) results in a premature termination codon, and although it is not predicted to undergo nonsense mediated decay, it is expected to cause a truncation of the encoded protein which is a commonly known mechanism for disease. The variant allele was found at a frequency of 8e-06 in 249190 control chromosomes. c.586C>T has been reported in the literature in at least two compound heterozygous individuals affected with autosomal recessive Bernard Soulier Syndrome (Savoia_2014). These data indicate that the variant is likely associated with disease. Additionally, variants downstream of this location have been classified as pathogenic by our lab and others in ClinVar, supporting the clinical relevance of this region to protein function. To our knowledge, no experimental evidence demonstrating an impact on protein function has been reported. The following publication has been ascertained in the context of this evaluation (PMID: 24934643). ClinVar contains an entry for this variant (Variation ID: 449564). Based on the evidence outlined above, the variant was classified as pathogenic.

Fulgent Genetics
Classification: Likely pathogenic for Bernard-Soulier syndrome, type A2, autosomal dominant; Pseudo von Willebrand disease; Bernard Soulier syndrome; Nonarteritic anterior ischemic optic neuropathy, susceptibility to. Last evaluated: 2024-05-28. Review status: criteria provided, single submitter. Criteria: ACMG Guidelines, 2015. Collection method: clinical testing. Allele origin: germline. Not counted in ClinVar's aggregate classification.

Labcorp Genetics (formerly Invitae), Labcorp
Classification: Pathogenic. Last evaluated: 2023-09-08. Review status: criteria provided, single submitter. Criteria: Invitae Variant Classification Sherloc (09022015). Collection method: clinical testing. Allele origin: germline. Not counted in ClinVar's aggregate classification.
Comment: For these reasons, this variant has been classified as Pathogenic. This variant disrupts a region of the GP1BA protein in which other variant(s) (p.Tyr534Cysfs*82) have been determined to be pathogenic (PMID: 9326229, 9326230, 10089893, 11054083). This suggests that this is a clinically significant region of the protein, and that variants that disrupt it are likely to be disease-causing. ClinVar contains an entry for this variant (Variation ID: 449564). This variant is also known as p.Gln180*. This premature translational stop signal has been observed in individual(s) with Bernard–Soulier syndrome (PMID: 24934643). This variant is present in population databases (rs371226354, gnomAD 0.0009%). This sequence change creates a premature translational stop signal (p.Gln196*) in the GP1BA gene. While this is not anticipated to result in nonsense mediated decay, it is expected to disrupt the last 457 amino acid(s) of the GP1BA protein.

GeneDx
Classification: Likely pathogenic. Last evaluated: 2017-08-31. Review status: criteria provided, single submitter. Criteria: GeneDx Variant Classification (06012015). Collection method: clinical testing. Allele origin: germline. Affected: yes. Not counted in ClinVar's aggregate classification.
Comment: The Q196X variant in the GP1BA gene has been reported previously in association with Bernard-Soulier syndrome, in an affected individual who was compound heterozygous for the Q196X variant and another variant. (Savoia et al., 2014). This variant is predicted to cause loss of normal protein function through protein truncation. The Q196X variant is not observed in large population cohorts (Lek et al., 2016; 1000 Genomes Consortium et al., 2015; Exome Variant Server). We interpret Q196X as a likely pathogenic variant.

Literature cited by the submitters: PubMed 24934643 (cited by Women's Health and Genetics/Laboratory Corporation of America, LabCorp and Labcorp Genetics (formerly Invitae), Labcorp); PubMed 9326229 (cited by Labcorp Genetics (formerly Invitae), Labcorp); PubMed 9326230 (cited by Labcorp Genetics (formerly Invitae), Labcorp); PubMed 10089893 (cited by Labcorp Genetics (formerly Invitae), Labcorp); PubMed 11054083 (cited by Labcorp Genetics (formerly Invitae), Labcorp).

NM_000173.7(GP1BA):c.586C>T (p.Gln196Ter)

Gene: GP1BA (glycoprotein Ib platelet subunit alpha; plus strand). Cytogenetic location: 17p13.2.
Variant type: single nucleotide variant.
Coding change: c.586C>T on transcript NM_000173.7 (MANE Select); coding-DNA position 586, C replaced by T.
Protein change: p.Gln196Ter; replaces glutamine 196 with a stop codon.
Molecular consequence: nonsense.
Genome position (GRCh38, 1-based): chr17:4,933,190, C>T. VCF-style: chr17-4933190-C-T. GRCh37 (hg19) VCF-style: chr17-4836485-C-T.
Other names: NM_000173.7(GP1BA):c.586C>T; p.Gln196Ter; short protein forms Q196*.
Identifiers: ClinVar variation 449564 (VCV000449564.8), dbSNP rs371226354, ClinGen allele CA287216296.
Genomic context (GRCh38, chr17:4,933,190, plus strand): 5'-TTGACTGAGCTCCCCGCTGGGCTCCTGAATGGGCTGGAGAATCTCGACACCCTTCTCCTC[C>T]AAGAGAACTCGCTGTATACAATACCAAAGGGCTTTTTTGGGTCCCACCTCCTGCCTTTTG-3'